The following is an entry in ClinVar:

NM_017780.4(CHD7):c.-15G>A

Gene: CHD7 (chromodomain helicase DNA binding protein 7; plus strand). Cytogenetic location: 8q12.2.
Variant type: single nucleotide variant.
Coding change: c.-15G>A on transcript NM_017780.4 (MANE Select); 15 bases upstream of the start codon, G replaced by A.
Molecular consequence: 5 prime UTR variant.
Genome position (GRCh38, 1-based): chr8:60,741,418, G>A. VCF-style: chr8-60741418-G-A. GRCh37 (hg19) VCF-style: chr8-61653977-G-A.
Other names: c.-15G>A (NM_001316690.1).
Identifiers: ClinVar variation 3254732 (VCV003254732.3), dbSNP rs1484168822.

ClinVar aggregate classification (germline): Conflicting classifications of pathogenicity. Review status: criteria provided, conflicting classifications (1 of 4 stars). 3 submissions from 3 submitters: Likely pathogenic (1); Uncertain significance (2). Last evaluated 2026-07-24.

Conditions:
Inborn genetic diseases. Identifiers: MedGen C0950123, MeSH D030342.
CHARGE syndrome (CHARGE). Also called: Hittner Hirsch Kreh syndrome; CHARGE ASSOCIATION--COLOBOMA, HEART ANOMALY, CHOANAL ATRESIA, RETARDATION, GENITAL AND EAR ANOMALIES; Coloboma, heart anomaly, choanal atresia, retardation, genital and ear anomalies; CHARGE association; Hall-Hittner syndrome. Identifiers: Orphanet 138, MedGen C0265354, MONDO:0008965.

Submissions (3):

Ambry Genetics
Classification: Uncertain significance for Inborn genetic diseases. Last evaluated: 2026-07-24. Review status: criteria provided, single submitter. Criteria: Ambry Variant Classification Scheme 2023. Collection method: clinical testing. Allele origin: germline.
Comment: The c.-15G>A alteration is located in the 5' untranslated region of the CHD7 gene. This alteration consists of a G to A substitution 15 nucleotides upstream from the first translated codon. The Genome Aggregation Database (gnomAD) data for this variant is unreliable due to technical and/or biological issues; therefore, population frequency estimates were not considered. This variant was reported in individual(s) with features consistent with CHARGE syndrome (Butcher, 2017; external communication). This nucleotide position is highly conserved in available vertebrate species. Based on insufficient or conflicting evidence, the clinical significance of this alteration remains unclear.

GeneDx
Classification: Uncertain significance. Last evaluated: 2024-03-28. Review status: criteria provided, single submitter. Criteria: GeneDx Variant Classification Process June 2021. Collection method: clinical testing. Allele origin: germline. Affected: yes.
Comment: Reported as an inherited variant in an individual with a clinical diagnosis of CHARGE syndrome and their unaffected parent (PMID: 28475860); Not observed at significant frequency in large population cohorts (gnomAD); Nucleotide is not conserved across species and the substitution has no predicted effect on splicing; This variant is associated with the following publications: (PMID: 35904121, 29304373, 28475860)

Victorian Clinical Genetics Services, Murdoch Childrens Research Institute
Classification: Likely pathogenic for CHD7-related CHARGE syndrome. Last evaluated: 2023-07-17. Review status: criteria provided, single submitter. Criteria: ACMG Guidelines, 2015. Collection method: clinical testing. Allele origin: germline. Inheritance: Autosomal dominant inheritance. Affected: yes.
Comment: Based on the classification scheme VCGS_Germline_v1.3.4, this variant is classified as Likely Pathogenic. Following criteria are met: 0102 - Loss of function is a known mechanism of disease in this gene and is associated with CHARGE syndrome (MIM#214800) and hypogonadotropic hypogonadism 5 with or without anosmia (MIM#612370). (I) 0107 - This gene is associated with autosomal dominant disease. (I) 0115 - Variants in this gene are known to have variable expressivity (PMID: 20301296). (I) 0217 - Non-coding variant with known effect. RNAseq data has shown that this variant causes the skipping of the first coding exon in this gene (exon 2), however the protein outcome is uncertain (VCGS, RDNow). (SP) 0251 - This variant is heterozygous. (I) 0301 - Variant is absent from gnomAD (both v2 and v3). (SP) 0705 - No comparable variants have previous evidence for pathogenicity. (I) 0809 - Previous evidence of pathogenicity for this variant is inconclusive. The variant was classified as a VUS and maternally inherited, however, it is unclear if this parent was affected or not (PMID: 28475860). (I) 0905 - No published segregation evidence has been identified for this variant. (SP) Legend: (SP) - Supporting pathogenic, (I) - Information, (SB) - Supporting benign

Literature cited by the submitters: PubMed 28475860 (cited by Ambry Genetics and Victorian Clinical Genetics Services, Murdoch Childrens Research Institute); PubMed 20301296 (cited by Victorian Clinical Genetics Services, Murdoch Childrens Research Institute).